The following is an entry in ClinVar:

NM_001267550.2(TTN):c.85535T>C (p.Val28512Ala)

Genes: TTN (titin; minus strand), TTN-AS1 (TTN antisense RNA 1; plus strand). Cytogenetic location: 2q31.2.
Variant type: single nucleotide variant.
Coding change: c.85535T>C on transcript NM_001267550.2 (MANE Select); coding-DNA position 85535, T replaced by C.
Protein change: p.Val28512Ala; replaces valine 28512 with alanine.
Molecular consequence: missense variant.
Genome position (GRCh38, 1-based): chr2:178,560,597, A>G on the plus strand (T>C on the coding strand, the complement: TTN is on the minus strand). VCF-style: chr2-178560597-A-G. GRCh37 (hg19) VCF-style: chr2-179425324-A-G.
Other names: c.80612T>C, p.Val26871Ala (NM_001256850.1); c.58340T>C, p.Val19447Ala (NM_003319.4); c.77831T>C, p.Val25944Ala (NM_133378.4); c.58715T>C, p.Val19572Ala (NM_133432.3); c.58916T>C, p.Val19639Ala (NM_133437.4); short protein forms V26871A, V19447A, V19639A, V28512A, V19572A, V25944A.
Identifiers: ClinVar variation 1749983 (VCV001749983.2), dbSNP rs1018186238, ClinGen allele CA60984644.

ClinVar aggregate classification (germline): Uncertain significance (1 of 4 stars; one submission).

Conditions:
Cardiovascular phenotype. Identifiers: MedGen CN230736.

Allele frequency attached by ClinVar (database versions not stated): gnomAD 0.00001; TOPMed 0.00001.
gnomAD v4.1: 1 of 1,613,398 alleles (0.000062%); highest among the groups gnomAD compares: African/African-American, 0.0013%; no homozygotes.

Submission:

Ambry Genetics
Classification: Uncertain significance for Cardiovascular phenotype. Last evaluated: 2020-05-06. Review status: criteria provided, single submitter. Criteria: Ambry Variant Classification Scheme 2023. Collection method: clinical testing. Allele origin: germline.
Comment: The p.V19447A variant (also known as c.58340T>C), located in coding exon 153 of the TTN gene, results from a T to C substitution at nucleotide position 58340. The valine at codon 19447 is replaced by alanine, an amino acid with similar properties. This amino acid position is highly conserved in available vertebrate species. In addition, this alteration is predicted to be tolerated by in silico analysis. Since supporting evidence is limited at this time, the clinical significance of this alteration remains unclear.